The following is an entry in ClinVar:

NM_005475.3(SH2B3):c.674G>A (p.Arg225His)

Gene: SH2B3 (SH2B adaptor protein 3; plus strand). Cytogenetic location: 12q24.12.
Variant type: single nucleotide variant.
Coding change: c.674G>A on transcript NM_005475.3 (MANE Select); coding-DNA position 674, G replaced by A.
Protein change: p.Arg225His; replaces arginine 225 with histidine.
Molecular consequence: missense variant.
Genome position (GRCh38, 1-based): chr12:111,418,819, G>A. VCF-style: chr12-111418819-G-A. GRCh37 (hg19) VCF-style: chr12-111856623-G-A.
Other names: short protein forms R225H.
Identifiers: ClinVar variation 3317999 (VCV003317999.2).

ClinVar aggregate classification (germline): Uncertain significance (1 of 4 stars; one submission).

Conditions:
Inborn genetic diseases. Identifiers: MedGen C0950123, MeSH D030342.

gnomAD v4.1: 2 of 1,427,842 alleles (0.00014%); highest among the groups gnomAD compares: South Asian, 0.0015%; no homozygotes.

Submission:

Ambry Genetics
Classification: Uncertain significance for Inborn genetic diseases. Last evaluated: 2025-11-24. Review status: criteria provided, single submitter. Criteria: Ambry Variant Classification Scheme 2023. Collection method: clinical testing. Allele origin: germline.
Comment: The p.R225H variant (also known as c.674G>A), located in coding exon 1 of the SH2B3 gene, results from a G to A substitution at nucleotide position 674. The arginine at codon 225 is replaced by histidine, an amino acid with highly similar properties. This amino acid position is conserved. In addition, this alteration is predicted to be tolerated by in silico analysis. Based on the available evidence, the clinical significance of this variant remains unclear.